The following is an entry in ClinVar:

NM_000234.3(LIG1):c.1438A>G (p.Met480Val)

Gene: LIG1 (DNA ligase 1; minus strand). Cytogenetic location: 19q13.33.
Variant type: single nucleotide variant.
Coding change: c.1438A>G on transcript NM_000234.3 (MANE Select); coding-DNA position 1438, A replaced by G.
Protein change: p.Met480Val; replaces methionine 480 with valine.
Molecular consequence: missense variant. On other transcripts: non-coding transcript variant (6).
Genome position (GRCh38, 1-based): chr19:48,135,765, T>C on the plus strand (A>G on the coding strand, the complement: LIG1 is on the minus strand). VCF-style: chr19-48135765-T-C. GRCh37 (hg19) VCF-style: chr19-48639022-T-C.
Other names: c.1345A>G, p.Met449Val (NM_001289063.2); c.1234A>G, p.Met412Val (NM_001289064.2); c.1435A>G, p.Met479Val (NM_001320970.2); c.1348A>G, p.Met450Val (NM_001320971.2); c.1438A>G (NM_000234.2); short protein forms M412V, M449V, M450V, M479V, M480V.
Identifiers: ClinVar variation 1164606 (VCV001164606.12), dbSNP rs3730980, ClinGen allele CA9546811.

ClinVar aggregate classification (germline): Benign. Review status: criteria provided, multiple submitters, no conflicts (2 of 4 stars). 3 submissions from 3 submitters: Benign (2). 1 of the submissions does not count toward it. Last evaluated 2026-02-01.

Conditions:
LIG1-related disorder. Also called: LIG1-related condition.

Allele frequency attached by ClinVar (database versions not stated): gnomAD exomes 0.00072 and 0.00210; ExAC 0.00249; gnomAD 0.00835 and 0.00896; 1000 Genomes Project 0.00899; 1000 Genomes Project 30x 0.00953; TOPMed 0.00978; ESP Exome Variant Server 0.00984.
gnomAD v4.1: 2,384 of 1,613,838 alleles (0.15%); highest among the groups gnomAD compares: African/African-American, 2.8%; 29 homozygotes.

Submissions (3):

Labcorp Genetics (formerly Invitae), Labcorp
Classification: Benign. Last evaluated: 2026-02-01. Review status: criteria provided, single submitter. Criteria: Invitae Variant Classification Sherloc (09022015). Collection method: clinical testing. Allele origin: germline.

Breakthrough Genomics
Classification: Benign. Review status: criteria provided, single submitter. Criteria: ACMG Guidelines, 2015. Collection method: not provided. Allele origin: germline. Inheritance: Autosomal recessive inheritance. Affected: yes.

PreventionGenetics, part of Exact Sciences
Classification: Benign for LIG1-related condition. Last evaluated: 2019-07-11. Review status: no assertion criteria provided. Collection method: clinical testing. Allele origin: germline. Not counted in ClinVar's aggregate classification.
Comment: This variant is classified as benign based on ACMG/AMP sequence variant interpretation guidelines (Richards et al. 2015 PMID: 25741868, with internal and published modifications).